The following is an entry in ClinVar:

NM_020806.5(GPHN):c.1828G>T (p.Gly610Trp)

Gene: GPHN (gephyrin; plus strand). Cytogenetic location: 14q23.3.
Variant type: single nucleotide variant.
Coding change: c.1828G>T on transcript NM_020806.5 (MANE Select); coding-DNA position 1828, G replaced by T.
Protein change: p.Gly610Trp; replaces glycine 610 with tryptophan.
Molecular consequence: missense variant.
Genome position (GRCh38, 1-based): chr14:67,143,441, G>T. VCF-style: chr14-67143441-G-T. GRCh37 (hg19) VCF-style: chr14-67610158-G-T.
Other names: c.1729G>T, p.Gly577Trp (NM_001024218.2); c.1888G>T, p.Gly630Trp (NM_001377514.1); c.1858G>T, p.Gly620Trp (NM_001377515.1); c.1849G>T, p.Gly617Trp (NM_001377516.1); c.1801G>T, p.Gly601Trp (NM_001377517.1); c.1786G>T, p.Gly596Trp (NM_001377518.1); c.1768G>T, p.Gly590Trp (NM_001377519.1); short protein forms G577W, G590W, G596W, G601W, G610W, G617W, G620W, G630W.
Identifiers: ClinVar variation 4875382 (VCV004875382.2).

ClinVar aggregate classification (germline): Uncertain significance (1 of 4 stars; one submission).

Submission:

CeGaT Center for Human Genetics Tuebingen
Classification: Uncertain significance. Last evaluated: 2026-06-01. Review status: criteria provided, single submitter. Criteria: CeGaT Center For Human Genetics Tuebingen Variant Classification Criteria Version 2. Collection method: clinical testing. Allele origin: germline. Affected: yes. Observed: 1 variant allele.
Comment: GPHN: PM2, PP3